The following is an entry in ClinVar:

NM_000271.5(NPC1):c.709C>T (p.Pro237Ser)

Gene: NPC1 (NPC intracellular cholesterol transporter 1; minus strand). Cytogenetic location: 18q11.2.
Variant type: single nucleotide variant.
Coding change: c.709C>T on transcript NM_000271.5 (MANE Select); coding-DNA position 709, C replaced by T.
Protein change: p.Pro237Ser; replaces proline 237 with serine.
Molecular consequence: missense variant.
Genome position (GRCh38, 1-based): chr18:23,560,403, G>A on the plus strand (C>T on the coding strand, the complement: NPC1 is on the minus strand). VCF-style: chr18-23560403-G-A. GRCh37 (hg19) VCF-style: chr18-21140367-G-A.
Other names: NM_000271.4(NPC1):c.709C>T(p.Pro237Ser); short protein forms P237S.
Identifiers: ClinVar variation 21142 (VCV000021142.42), dbSNP rs80358251, ClinGen allele CA145972.

ClinVar aggregate classification (germline): Conflicting classifications of pathogenicity. Review status: criteria provided, conflicting classifications (1 of 4 stars). 16 submissions from 15 submitters: Uncertain significance (1); Benign (6); Likely benign (1). 8 of the submissions do not count toward it. Last evaluated 2026-02-04.

Conditions:
Nasopharyngeal carcinoma. Also called: Nasopharyngeal carcinoma, somatic. Identifiers: Orphanet 150, MedGen C2931822, MONDO:0015459, OMIM 607107.
Niemann-Pick disease, type C1. Also called: NIEMANN-PICK DISEASE, VARIANT TYPE C1; NEUROVISCERAL STORAGE DISEASE WITH VERTICAL SUPRANUCLEAR OPHTHALMOPLEGIA; NIEMANN-PICK DISEASE WITH CHOLESTEROL ESTERIFICATION BLOCK; NIEMANN-PICK DISEASE WITHOUT SPHINGOMYELINASE DEFICIENCY; NIEMANN-PICK DISEASE, CHRONIC NEURONOPATHIC FORM. Identifiers: Orphanet 646, MedGen C3179455, MONDO:0009757, OMIM 257220.

Allele frequency attached by ClinVar (database versions not stated): 1000 Genomes Project 30x 0.00453; gnomAD 0.01015 and 0.01055; ExAC 0.01046; 1000 Genomes Project 0.00459; TOPMed 0.00840; gnomAD exomes 0.00988; ESP Exome Variant Server 0.01153.
gnomAD v4.1: 21,697 of 1,614,168 alleles (1.3%); highest among the groups gnomAD compares: Non-Finnish European, 1.6%; 195 homozygotes.

Submissions (16):

Labcorp Genetics (formerly Invitae), Labcorp
Classification: Benign for Niemann-Pick disease, type C1. Last evaluated: 2026-02-04. Review status: criteria provided, single submitter. Criteria: Invitae Variant Classification Sherloc (09022015). Collection method: clinical testing. Allele origin: germline.

ARUP Laboratories, Molecular Genetics and Genomics, ARUP Laboratories
Classification: Benign for Nasopharyngeal carcinoma. Last evaluated: 2023-09-11. Review status: criteria provided, single submitter. Criteria: ARUP Molecular Germline Variant Investigation Process 2024. Collection method: clinical testing. Allele origin: germline.

Genome-Nilou Lab
Classification: Likely benign for Niemann-Pick disease, type C1. Last evaluated: 2021-05-18. Review status: criteria provided, single submitter. Criteria: ACMG Guidelines, 2015. Collection method: clinical testing. Allele origin: germline. Affected: no.

SIB Swiss Institute of Bioinformatics
Classification: Benign for Niemann-Pick disease, type C1. Last evaluated: 2018-05-31. Review status: criteria provided, single submitter. Criteria: ACMG Guidelines, 2015. Collection method: curation. Allele origin: unknown.
Comment: This variant is interpreted as a Benign, for Niemann-Pick disease, type C1, in Autosomal Recessive manner. The following ACMG Tag(s) were applied: BS3 => Well-established in vitro or in vivo functional studies show no damaging effect on protein function or splicing (PMID:12554680). BS1 => Allele frequency is greater than expected for disorder (PMID:11182931). BS2 => Observed in a healthy adult individual for a recessive (homozygous), dominant (heterozygous), or X-linked (hemizygous) disorder, with full penetrance expected at an early age.

Illumina Laboratory Services, Illumina
Classification: Uncertain significance for Niemann-Pick disease type C1. Last evaluated: 2017-04-27. Review status: criteria provided, single submitter. Criteria: ICSL Variant Classification Criteria 13 December 2019. Collection method: clinical testing. Allele origin: germline.

Eurofins Ntd Llc (ga)
Classification: Benign. Last evaluated: 2015-07-24. Review status: criteria provided, single submitter. Criteria: EGL Classification Definitions 2015. Collection method: clinical testing. Allele origin: germline. Observed: 4 variant alleles, 4 heterozygotes.

GeneDx
Classification: Benign. Last evaluated: 2015-03-03. Review status: criteria provided, single submitter. Criteria: GeneDx Variant Classification Process June 2021. Collection method: clinical testing. Allele origin: germline. Affected: yes.
Comment: This variant is associated with the following publications: (PMID: 32222928, 29631617, 28328115, 25842391, 10480349, 20981092, 12955717, 12554680, 22995991, 25497598, 20489167)

PreventionGenetics, part of Exact Sciences
Classification: Benign. Review status: criteria provided, single submitter. Criteria: ACMG Guidelines, 2015. Collection method: clinical testing. Allele origin: germline.

Mayo Clinic Laboratories, Mayo Clinic
Classification: Likely benign. Last evaluated: 2018-02-21. Review status: no assertion criteria provided. Collection method: clinical testing. Allele origin: unknown. Not counted in ClinVar's aggregate classification.

Genome Diagnostics Laboratory, Amsterdam University Medical Center
Classification: Likely benign for Niemann-Pick disease, type C1. Last evaluated: 2017-09-07. Review status: no assertion criteria provided. Criteria: ACGS Guidelines, 2013. Collection method: clinical testing. Allele origin: germline. Affected: yes. Study: VKGL Data-share Consensus. Not counted in ClinVar's aggregate classification.

Counsyl
Classification: Likely benign for Niemann-Pick disease type C1. Last evaluated: 2014-08-22. Review status: no assertion criteria provided. Collection method: literature only. Allele origin: unknown. Inheritance: Autosomal recessive inheritance. Not counted in ClinVar's aggregate classification.

Clinical Genetics, Academic Medical Center
Classification: Benign. Review status: no assertion criteria provided. Collection method: clinical testing. Allele origin: germline. Affected: yes. Study: VKGL Data-share Consensus. Not counted in ClinVar's aggregate classification.

GeneReviews
No classification provided. Condition: Niemann-Pick disease, type C1. Review status: no classification provided. Collection method: literature only. Allele origin: unknown. Not counted in ClinVar's aggregate classification.

Genome Diagnostics Laboratory, Amsterdam University Medical Center
Classification: Benign. Review status: no assertion criteria provided. Collection method: clinical testing. Allele origin: germline. Affected: yes. Study: VKGL Data-share Consensus. Not counted in ClinVar's aggregate classification.

Joint Genome Diagnostic Labs from Nijmegen and Maastricht, Radboudumc and MUMC+
Classification: Benign. Review status: no assertion criteria provided. Collection method: clinical testing. Allele origin: germline. Affected: yes. Study: VKGL Data-share Consensus. Not counted in ClinVar's aggregate classification.

Laboratory of Diagnostic Genome Analysis, Leiden University Medical Center (LUMC)
Classification: Likely benign. Review status: no assertion criteria provided. Collection method: clinical testing. Allele origin: germline. Affected: yes. Study: VKGL Data-share Consensus. Not counted in ClinVar's aggregate classification.

Literature cited by the submitters: PubMed 12554680 (cited by SIB Swiss Institute of Bioinformatics and Counsyl); PubMed 11182931 (cited by Counsyl); PubMed 12974729 (cited by Counsyl); PubMed 11333381 (cited by Counsyl); PubMed 23433426 (cited by Counsyl); PubMed 21550990 (cited by Counsyl); PubMed 12955717 (cited by Counsyl); PubMed 12408188 (cited by Counsyl); PubMed 20981092 (cited by Counsyl); PubMed 10480349 (cited by Counsyl); PubMed 20489167 (cited by Counsyl); PubMed 22995991 (cited by Counsyl); PubMed 12813037 (cited by Counsyl); PubMed 11349231 (cited by Counsyl and GeneReviews); PubMed 20301473 (cited by GeneReviews); NCBI Bookshelf NBK1296 (cited by GeneReviews).